The following is an entry in ClinVar:

ClinVar aggregate classification (germline): Uncertain significance. Review status: criteria provided, multiple submitters, no conflicts (2 of 4 stars). 9 submissions from 9 submitters: Uncertain significance (8). 1 of the submissions does not count toward it. Last evaluated 2026-01-19.

Conditions:
Marfan syndrome (MFS). Also called: Marfan syndrome, classic; Marfan syndrome type 1; Marfan's syndrome; MARFAN SYNDROME, TYPE I; FBN1-Related Marfan Syndrome. Identifiers: Orphanet 284963, Orphanet 558, MedGen C0024796, MONDO:0007947, OMIM 154700.
Familial thoracic aortic aneurysm and aortic dissection (TAAD). Also called: Thoracic aortic aneurysms and dissections. Identifiers: Orphanet 91387, MedGen C4707243, MONDO:0019625.
Geleophysic dysplasia 2 (GPHYSD2). Identifiers: Orphanet 2623, MedGen C3280054, MONDO:0013612, OMIM 614185.
Ectopia lentis 1, isolated, autosomal dominant (ECTOL1). Identifiers: Orphanet 1885, MedGen C3541518, MONDO:0007514, OMIM 129600.
Weill-Marchesani syndrome 2, dominant. Also called: FBN1-Related Weill-Marchesani Syndrome; Weill-Marchesani Syndrome, Autosomal Dominant. Identifiers: Orphanet 2084, MedGen C1869115, MONDO:0012013, OMIM 608328.
MASS syndrome (OCTD). Also called: OVERLAP CONNECTIVE TISSUE DISEASE; MASS PHENOTYPE. Identifiers: MedGen C1858556, MONDO:0011431, OMIM 604308.
Stiff skin syndrome (SSKS). Identifiers: Orphanet 2833, MedGen C1861456, MONDO:0008492, OMIM 184900.
Progeroid and marfanoid aspect-lipodystrophy syndrome. Also called: MARFANOID-PROGEROID SYNDROME; MARFAN-PROGEROID-LIPODYSTROPHY SYNDROME; Marfan lipodystrophy syndrome; MARFANOID-PROGEROID-LIPODYSTROPHY SYNDROME. Identifiers: Orphanet 300382, MedGen C4310796, MONDO:0014831, OMIM 616914.
Acromicric dysplasia (ACMICD). Also called: Acromicric skeletal dysplasia. Identifiers: Orphanet 969, MedGen C0265287, MONDO:0007055, OMIM 102370.

Allele frequency attached by ClinVar (database versions not stated): TOPMed 0.00002; gnomAD 0.00001; ExAC 0.00002.
gnomAD v4.1: 30 of 1,613,896 alleles (0.0019%); highest among the groups gnomAD compares: South Asian, 0.0044%; no homozygotes.

Submissions (9):

Labcorp Genetics (formerly Invitae), Labcorp
Classification: Uncertain significance for Marfan syndrome; Familial thoracic aortic aneurysm and aortic dissection. Last evaluated: 2026-01-19. Review status: criteria provided, single submitter. Criteria: Invitae Variant Classification Sherloc (09022015). Collection method: clinical testing. Allele origin: germline.
Comment: This sequence change replaces glycine, which is neutral and non-polar, with serine, which is neutral and polar, at codon 1482 of the FBN1 protein (p.Gly1482Ser). The frequency data for this variant in the population databases is considered unreliable, as metrics indicate poor data quality at this position in the gnomAD database. This variant has not been reported in the literature in individuals affected with FBN1-related conditions. ClinVar contains an entry for this variant (Variation ID: 373256). Invitae Evidence Modeling of protein sequence and biophysical properties (such as structural, functional, and spatial information, amino acid conservation, physicochemical variation, residue mobility, and thermodynamic stability) indicates that this missense variant is expected to disrupt FBN1 protein function with a positive predictive value of 95%. In summary, the available evidence is currently insufficient to determine the role of this variant in disease. Therefore, it has been classified as a Variant of Uncertain Significance.

Ambry Genetics
Classification: Uncertain significance for Familial thoracic aortic aneurysm and aortic dissection. Last evaluated: 2024-11-14. Review status: criteria provided, single submitter. Criteria: Ambry Variant Classification Scheme 2023. Collection method: clinical testing. Allele origin: germline.
Comment: The p.G1482S variant (also known as c.4444G>A), located in coding exon 35 of the FBN1 gene, results from a G to A substitution at nucleotide position 4444. The glycine at codon 1482 is replaced by serine, an amino acid with similar properties. This amino acid position is highly conserved in available vertebrate species. In addition, this alteration is predicted to be deleterious by in silico analysis. Based on the available evidence, the clinical significance of this variant remains unclear.

Color Diagnostics, LLC DBA Color Health
Classification: Uncertain significance for Familial thoracic aortic aneurysm and aortic dissection. Last evaluated: 2024-09-16. Review status: criteria provided, single submitter. Criteria: ACMG Guidelines, 2015. Collection method: clinical testing. Allele origin: germline.
Comment: This missense variant replaces glycine with serine at codon 1482 of the FBN1 protein. Computational prediction tools indicate that this variant's impact on protein structure and function is inconclusive. To our knowledge, functional studies have not been reported for this variant. This variant has not been reported in individuals affected with FBN1-related disorders in the literature. This variant has been identified in 2/251270 chromosomes in the general population by the Genome Aggregation Database (gnomAD). The available evidence is insufficient to determine the role of this variant in disease conclusively. Therefore, this variant is classified as a Variant of Uncertain Significance.

All of Us Research Program, National Institutes of Health
Classification: Uncertain significance for Marfan syndrome. Last evaluated: 2023-11-02. Review status: criteria provided, single submitter. Criteria: ACMG Guidelines, 2015. Collection method: clinical testing. Allele origin: germline. Inheritance: Autosomal dominant inheritance. Observed: 4 variant alleles, 4 heterozygotes.
Comment: This missense variant replaces glycine with serine at codon 1482 of the FBN1 protein. Computational prediction is inconclusive regarding the impact of this variant on protein structure and function (internally defined REVEL score threshold 0.5 < inconclusive < 0.7, PMID: 27666373). To our knowledge, functional studies have not been reported for this variant. This variant has not been reported in individuals affected with cardiovascular disorders in the literature. This variant has not been identified in the general population by the Genome Aggregation Database (gnomAD). The available evidence is insufficient to determine the role of this variant in disease conclusively. Therefore, this variant is classified as a Variant of Uncertain Significance.

This study involves interpretation of variants in research participants for the purpose of population health screening. Participant phenotype was not available at the time of variant classification. Additional details can be found in publication PMID: 35346344, PMCID: PMC8962531

Department of Pathology and Laboratory Medicine, Sinai Health System
Classification: Uncertain significance for Acromicric dysplasia; Ectopia lentis 1, isolated, autosomal dominant; Marfan syndrome; Stiff skin syndrome; MASS syndrome; Weill-Marchesani syndrome 2, dominant; Geleophysic dysplasia 2; Progeroid and marfanoid aspect-lipodystrophy syndrome. Last evaluated: 2021-11-10. Review status: criteria provided, single submitter. Criteria: ACMG Guidelines, 2015. Collection method: research. Allele origin: germline.

Blueprint Genetics
Classification: Uncertain significance. Last evaluated: 2020-04-25. Review status: criteria provided, single submitter. Criteria: ACMG Guidelines, 2015. Collection method: clinical testing. Allele origin: germline.

ARUP Laboratories, Molecular Genetics and Genomics, ARUP Laboratories
Classification: Uncertain significance. Last evaluated: 2019-03-25. Review status: criteria provided, single submitter. Criteria: ARUP Molecular Germline Variant Investigation Process. Collection method: clinical testing. Allele origin: germline.
Comment: The FBN1 c.4444G>A; p.Gly1482Ser variant (rs762532435), to our knowledge, is not reported in the medical literature but is reported in ClinVar (Variation ID: 373256). This variant is found on only 3 alleles in the Genome Aggregation Database, indicating it is not a common polymorphism. The glycine at codon 1482 is highly conserved, and computational analyses (SIFT, PolyPhen-2) predict that this variant is deleterious. However, due to limited information, the clinical significance of the p.Gly1482Ser variant is uncertain at this time.

GeneDx
Classification: Uncertain significance. Last evaluated: 2016-11-18. Review status: criteria provided, single submitter. Criteria: GeneDx Variant Classification (06012015). Collection method: clinical testing. Allele origin: germline. Affected: yes.
Comment: A variant of uncertain significance has been identified in the FBN1 gene. The G1482S variant has not been published as a pathogenic variant, nor has it been reported as a benign variant to our knowledge. The G1482S variant was not observed in approximately 6,500 individuals of European and African American ancestry in the NHLBI Exome Sequencing Project, indicating it is not a common benign variant in these populations. The G1482S variant is a non-conservative amino acid substitution, which is likely to impact secondary protein structure as these residues differ in polarity, charge, size and/or other properties. Additionally, this substitution occurs within a calcium-binding EGF-like domain of the FBN1 gene, at a position that is conserved across species. Furthermore, in silico analysis predicts this variant is probably damaging to the protein structure/function. Nevertheless, the G1482S variant does not affect a Cysteine residue within a calcium-binding EGF-like domain of the FBN1 gene. Cysteine substitutions in the calcium-binding EGF-like domains represent the majority of pathogenic missense changes associated with FBN1-related disorders (Collod-Beroud et al., 2003).Therefore, based on the currently available information, it is unclear whether this variant is pathogenic or rare benign.

CSER _CC_NCGL, University of Washington
Classification: Uncertain significance for Marfan syndrome. Last evaluated: 2016-08-01. Review status: no assertion criteria provided. Collection method: research. Allele origin: germline. Inheritance: Autosomal dominant inheritance. Study: CSER - NEXT Medicine variant annotation. Not counted in ClinVar's aggregate classification.

NM_000138.5(FBN1):c.4444G>A (p.Gly1482Ser)

Gene: FBN1 (fibrillin 1; minus strand). Cytogenetic location: 15q21.1.
Variant type: single nucleotide variant.
Coding change: c.4444G>A on transcript NM_000138.5 (MANE Select); coding-DNA position 4444, G replaced by A.
Protein change: p.Gly1482Ser; replaces glycine 1482 with serine.
Molecular consequence: missense variant.
Genome position (GRCh38, 1-based): chr15:48,470,649, C>T on the plus strand (G>A on the coding strand, the complement: FBN1 is on the minus strand). VCF-style: chr15-48470649-C-T. GRCh37 (hg19) VCF-style: chr15-48762846-C-T.
Other names: short protein forms G1482S.
Identifiers: ClinVar variation 373256 (VCV000373256.23), dbSNP rs762532435, ClinGen allele CA053004.
Genomic context (GRCh38, chr15:48,470,649, plus strand): 5'-CCCGGGACACCAGGGAGCTGATTTTGATGCCAGTGGAGGTCTTACCTGTGCAGTTCCCGC[C>T]GCTTCTGTCCAGTTCGTAGCCTATCTCACACTCACAGCGGAACAGGCCAGGGAGGTTGTG-3'
Protein context (NP_000129.3, residues 1472-1492): CEIGYELDRS[Gly1482Ser]GNCTDVNECL